The following is an entry in ClinVar:

NM_001164277.2(SLC37A4):c.923_934dup (p.Met308_Met311dup)

Gene: SLC37A4 (solute carrier family 37 member 4; minus strand). Cytogenetic location: 11q23.3.
Variant type: Duplication.
Coding change: c.923_934dup on transcript NM_001164277.2 (MANE Select); coding-DNA positions 923 to 934, 12 bases duplicated (TGGCTGGCATGA).
Protein change: p.Met308_Met311dup.
Molecular consequence: inframe insertion.
Genome position (GRCh38, 1-based): chr11:119,026,017-119,026,028, TCATGCCAGCCA duplicated on the plus strand (TGGCTGGCATGA on the coding strand, the reverse complement: SLC37A4 is on the minus strand); duplicating any 12 consecutive bases within chr11:119,026,017-119,026,033 gives the same sequence; the c. name uses the placement nearest the transcript's 3' end. VCF-style (leftmost placement, unchanged base first): chr11-119026016-G-GTCATGCCAGCCA. GRCh37 (hg19) VCF-style: chr11-118896726-G-GTCATGCCAGCCA.
Other names: c.923_934dup, p.Met308_Met311dup (NM_001164278.2, NM_001164280.2, NM_001467.6); c.704_715dup, p.Met235_Met238dup (NM_001164279.2); c.923_934dupTGGCTGGCATGA (NM_001164277.1); c.923_934dup12 (NM_001164277.2).
Identifiers: ClinVar variation 188799 (VCV000188799.11), dbSNP rs786204477, ClinGen allele CA273975.

ClinVar aggregate classification (germline): Conflicting classifications of pathogenicity. Review status: criteria provided, conflicting classifications (1 of 4 stars). 9 submissions from 8 submitters: Pathogenic (1); Likely pathogenic (3); Uncertain significance (2). 3 of the submissions do not count toward it. Last evaluated 2025-09-23.

Conditions:
SLC37A4-related disorder. Also called: SLC37A4-related condition.
Glucose-6-phosphate transport defect (GSD1B). Also called: Glycogen Storage Disease Type Ib; GSD Ib. Identifiers: Orphanet 364, Orphanet 79259, MedGen C0268146, MONDO:0009288, OMIM 232220.
Phosphate transport defect (GSD1C). Also called: GLYCOGEN STORAGE DISEASE Ic; GSD Ic. Identifiers: Orphanet 364, Orphanet 79259, MedGen C0342749, OMIM 232240.

Submissions (9):

Natera, Inc.
Classification: Likely pathogenic for Glycogen storage disease type Ib. Last evaluated: 2025-09-23. Review status: criteria provided, single submitter. Criteria: Natera Variant Classification Schema (03/2026). Collection method: clinical testing. Allele origin: germline.
Comment: The c.923_934dupTGGCTGGCATGA variant in SLC37A4 is an in-frame insertion. This variant is rare in the general population with a frequency below the threshold expected for the associated phenotype(s). This variant has been observed in one or more individuals affected with the associated recessive disease, as either homozygous or compound heterozygous with a second variant (PMID: 9758626). This variant results in a change to the protein length while preserving reading frame, which may disrupt normal protein structure or function. Given the available evidence, this variant is classified as Likely Pathogenic.

Women's Health and Genetics/Laboratory Corporation of America, LabCorp
Classification: Uncertain significance. Last evaluated: 2025-07-25. Review status: criteria provided, single submitter. Criteria: LabCorp Variant Classification Summary - May 2015. Collection method: clinical testing. Allele origin: germline.
Comment: Variant summary: SLC37A4 c.923_934dup12 (p.Met308_Met311dup), also known as "Insertion of 4-amino-acid repeat after Met311", results in an in-frame duplication that is predicted to duplicate 4 amino acids into the encoded protein. The variant allele was found at a frequency of 4.2e-06 in 240832 control chromosomes. c.923_934dup12 has been observed in the compound heterozygous state in at least 2 individual(s) affected with autosomal recessive Glycogen Storage Disease Type Ib/Ic. These data indicate that the variant may be associated with disease. To our knowledge, no experimental evidence demonstrating an impact on protein function has been reported. The following publications have been ascertained in the context of this evaluation (PMID: 12373566, 10518030, 18996862, 33977030, 11386847, 15906092, 9758626, 38087503). ClinVar contains an entry for this variant (Variation ID: 188799). Based on the evidence outlined above, the variant was classified as VUS-possibly pathogenic.

Blueprint Genetics
Classification: Likely pathogenic for SLC37A4-related disorders. Last evaluated: 2024-06-18. Review status: criteria provided, single submitter. Criteria: ACMG Guidelines, 2015. Collection method: clinical testing. Allele origin: germline. Affected: yes. Observed: 2 variant alleles.

Baylor Genetics
Classification: Pathogenic for Glucose-6-phosphate transport defect. Last evaluated: 2024-03-16. Review status: criteria provided, single submitter. Criteria: ACMG Guidelines, 2015. Collection method: clinical testing. Allele origin: unknown.

PreventionGenetics, part of Exact Sciences
Classification: Likely pathogenic for SLC37A4-related condition. Last evaluated: 2023-05-31. Review status: criteria provided, single submitter. Criteria: ACMG Guidelines, 2015. Collection method: clinical testing. Allele origin: germline.
Comment: The SLC37A4 c.923_934dup12 variant is predicted to result in an in-frame duplication (p.Met308_Met311dup). This variant was reported in at least three individuals with Glycogen storage disease 1b and 1c and in at least two of those patients was this variant was observed in a compound heterozygous state with loss of function variant (Veiga-da-Cunha et al. 1998. PubMed ID: 9758626; Halligan et al. 2021. PubMed ID: 33977030). This variant is reported in 0.0016% of alleles in individuals of European (Non-Finnish) descent in gnomAD. This variant is interpreted as likely pathogenic.

Labcorp Genetics (formerly Invitae), Labcorp
Classification: Uncertain significance for Glucose-6-phosphate transport defect. Last evaluated: 2022-03-29. Review status: criteria provided, single submitter. Criteria: Invitae Variant Classification Sherloc (09022015). Collection method: clinical testing. Allele origin: germline.
Comment: This variant, c.923_934dup, results in the insertion of 4 amino acid(s) of the SLC37A4 protein (p.Met308_Met311dup), but otherwise preserves the integrity of the reading frame. This variant is present in population databases (rs786204477, gnomAD 0.002%). This variant has been observed in individual(s) with glycogen storage disease type Ib (PMID: 9758626, 33977030). In at least one individual the data is consistent with being in trans (on the opposite chromosome) from a pathogenic variant. ClinVar contains an entry for this variant (Variation ID: 188799). Experimental studies and prediction algorithms are not available or were not evaluated, and the functional significance of this variant is currently unknown. In summary, the available evidence is currently insufficient to determine the role of this variant in disease. Therefore, it has been classified as a Variant of Uncertain Significance.

Counsyl
Classification: Likely pathogenic for Glucose-6-phosphate transport defect. Last evaluated: 2014-05-21. Review status: no assertion criteria provided. Collection method: literature only. Allele origin: unknown. Inheritance: Autosomal recessive inheritance. Not counted in ClinVar's aggregate classification.

OMIM
Classification: Pathogenic for GLYCOGEN STORAGE DISEASE Ib. Last evaluated: 1998-10-01. Review status: no assertion criteria provided. Collection method: literature only. Allele origin: germline. Not counted in ClinVar's aggregate classification.

OMIM
Classification: Pathogenic for GLYCOGEN STORAGE DISEASE Ic. Last evaluated: 1998-10-01. Review status: no assertion criteria provided. Collection method: literature only. Allele origin: germline. Not counted in ClinVar's aggregate classification.

Literature cited by the submitters: PubMed 9758626 (cited by 5 submitters); PubMed 12373566 (cited by Women's Health and Genetics/Laboratory Corporation of America, LabCorp and Counsyl); PubMed 10518030 (cited by Women's Health and Genetics/Laboratory Corporation of America, LabCorp); PubMed 15906092 (cited by Women's Health and Genetics/Laboratory Corporation of America, LabCorp); PubMed 33977030 (cited by Women's Health and Genetics/Laboratory Corporation of America, LabCorp and Labcorp Genetics (formerly Invitae), Labcorp); PubMed 18996862 (cited by Women's Health and Genetics/Laboratory Corporation of America, LabCorp and Counsyl); PubMed 11386847 (cited by Women's Health and Genetics/Laboratory Corporation of America, LabCorp); PubMed 38087503 (cited by Women's Health and Genetics/Laboratory Corporation of America, LabCorp); PubMed 15757503 (cited by Counsyl); PubMed 24565827 (cited by Counsyl).